The following is an entry in ClinVar:

ClinVar aggregate classification (germline): Likely benign. Review status: criteria provided, single submitter (1 of 4 stars). 2 submissions from 2 submitters: Likely benign (1). 1 of the submissions does not count toward it. Last evaluated 2022-10-31.

Conditions:
LZTFL1-related disorder. Also called: LZTFL1-related condition.

Allele frequency attached by ClinVar (database versions not stated): gnomAD exomes 0.00003; gnomAD 0.00017; TOPMed 0.00022.
gnomAD v4.1: 74 of 1,527,306 alleles (0.0048%); highest among the groups gnomAD compares: African/African-American, 0.088%; no homozygotes.

Submissions (2):

Blueprint Genetics
Classification: Likely benign. Last evaluated: 2022-10-31. Review status: criteria provided, single submitter. Criteria: ACMG Guidelines, 2015. Collection method: clinical testing. Allele origin: germline.

PreventionGenetics, part of Exact Sciences
Classification: Likely benign for LZTFL1-related condition. Last evaluated: 2019-12-04. Review status: no assertion criteria provided. Collection method: clinical testing. Allele origin: germline. Not counted in ClinVar's aggregate classification.
Comment: This variant is classified as likely benign based on ACMG/AMP sequence variant interpretation guidelines (Richards et al. 2015 PMID: 25741868, with internal and published modifications).

NM_001276379.2(LZTFL1):c.36G>A (p.Gln12=)

Gene: LZTFL1 (leucine zipper transcription factor like 1; minus strand). Cytogenetic location: 3p21.31.
Variant type: single nucleotide variant.
Coding change: c.36G>A on transcript NM_001276379.2; coding-DNA position 36, G replaced by A.
Protein change: p.Gln12=; no amino-acid change (glutamine 12 retained).
Molecular consequence: synonymous variant. On other transcripts: 5 prime UTR variant (4), non-coding transcript variant (1), intron variant (2).
Genome position (GRCh38, 1-based): chr3:45,855,066, C>T on the plus strand (G>A on the coding strand, the complement: LZTFL1 is on the minus strand). VCF-style: chr3-45855066-C-T. GRCh37 (hg19) VCF-style: chr3-45896558-C-T.
Other names: c.-129G>A (NM_001276378.2, NM_001405923.1, NM_001405926.1 and 1 more transcripts); c.36G>A, p.Gln12= (NM_001405921.1); c.28-17015G>A (NM_001405925.1, NM_001405920.1).
Identifiers: ClinVar variation 3059402 (VCV003059402.3), dbSNP rs946733776, ClinGen allele CA73630116.